The following is an entry in ClinVar:

NM_176824.3(BBS7):c.1531dup (p.Leu511fs)

Gene: BBS7 (Bardet-Biedl syndrome 7; minus strand). Cytogenetic location: 4q27.
Variant type: Duplication.
Coding change: c.1531dup on transcript NM_176824.3 (MANE Select); coding-DNA position 1531, one base duplicated (C; older notation c.1531dupC).
Protein change: p.Leu511fs; shifts the reading frame from leucine 511.
Molecular consequence: frameshift variant.
Genome position (GRCh38, 1-based): chr4:121,833,376, G duplicated on the plus strand (C on the coding strand, the reverse complement: BBS7 is on the minus strand); the first of 3 consecutive G bases (chr4:121,833,376-121,833,378); duplicating any one gives the same sequence. VCF-style (leftmost placement, unchanged base first): chr4-121833375-A-AG. GRCh37 (hg19) VCF-style: chr4-122754530-A-AG.
Other names: c.1531dup, p.Leu511fs (NM_018190.4); short protein forms L511fs.
Identifiers: ClinVar variation 3658557 (VCV003658557.2).

ClinVar aggregate classification (germline): Pathogenic (1 of 4 stars; one submission).

Conditions:
Bardet-Biedl syndrome (BBS). Identifiers: Orphanet 110, MedGen C0752166, MONDO:0015229.

Submission:

Labcorp Genetics (formerly Invitae), Labcorp
Classification: Pathogenic for Bardet-Biedl syndrome. Last evaluated: 2024-07-02. Review status: criteria provided, single submitter. Criteria: Invitae Variant Classification Sherloc (09022015). Collection method: clinical testing. Allele origin: germline.
Comment: This sequence change creates a premature translational stop signal (p.Leu511Profs*9) in the BBS7 gene. It is expected to result in an absent or disrupted protein product. Loss-of-function variants in BBS7 are known to be pathogenic (PMID: 12567324, 19402160, 21209035, 31196119). This variant is present in population databases (rs759256331, gnomAD 0.003%). This variant has not been reported in the literature in individuals affected with BBS7-related conditions. For these reasons, this variant has been classified as Pathogenic.

Literature cited by the submitters: PubMed 12567324; PubMed 19402160; PubMed 21209035; PubMed 31196119.